The following is an entry in ClinVar:

ClinVar aggregate classification (germline): Conflicting classifications of pathogenicity. Review status: criteria provided, conflicting classifications (1 of 4 stars). 2 submissions from 2 submitters: Likely pathogenic (1); Uncertain significance (1). Last evaluated 2026-01-04.

Conditions:
ARSE-related disorders.

Allele frequency attached by ClinVar (database versions not stated): gnomAD exomes below 0.00001.
gnomAD v4.1: 3 of 1,211,544 alleles (0.00025%); highest among the groups gnomAD compares: Non-Finnish European, 0.00034%; no homozygotes.

Submissions (2):

GeneDx
Classification: Uncertain significance. Last evaluated: 2026-01-04. Review status: criteria provided, single submitter. Criteria: GeneDx Variant Classification Process June 2021. Collection method: clinical testing. Allele origin: germline. Affected: yes.
Comment: In silico analysis supports that this missense variant has a deleterious effect on protein structure/function; In silico analysis supports a deleterious effect on splicing; Not observed at significant frequency in large population cohorts (gnomAD); This variant is associated with the following publications: (PMID: 39908167)

Blueprint Genetics
Classification: Likely pathogenic for ARSE-related disorders. Last evaluated: 2022-09-07. Review status: criteria provided, single submitter. Criteria: ACMG Guidelines, 2015. Collection method: clinical testing. Allele origin: germline. Affected: yes. Observed: 2 variant alleles.

NM_000047.3(ARSL):c.185G>T (p.Arg62Met)

Gene: ARSL (arylsulfatase L; minus strand). Cytogenetic location: Xp22.33.
Variant type: single nucleotide variant.
Coding change: c.185G>T on transcript NM_000047.3 (MANE Select); coding-DNA position 185, G replaced by T.
Protein change: p.Arg62Met; replaces arginine 62 with methionine.
Molecular consequence: missense variant. On other transcripts: intron variant (1).
Genome position (GRCh38, 1-based): chrX:2,958,274, C>A on the plus strand (G>T on the coding strand, the complement: ARSL is on the minus strand). VCF-style: chrX-2958274-C-A. GRCh37 (hg19) VCF-style: chrX-2876315-C-A.
Other names: c.260G>T, p.Arg87Met (NM_001282628.2, NM_001369080.1); c.212G>T, p.Arg71Met (NM_001369079.1); c.23+2104G>T (NM_001282631.2); short protein forms R62M, R71M, R87M.
Identifiers: ClinVar variation 2507202 (VCV002507202.3), dbSNP rs2089553875, ClinGen allele CA412268072.